The following is an entry in ClinVar:

NM_032043.3(BRIP1):c.2133del (p.Gly712fs)

Gene: BRIP1 (BRCA1 interacting DNA helicase 1; minus strand). Cytogenetic location: 17q23.2.
Variant type: Deletion.
Coding change: c.2133del on transcript NM_032043.3 (MANE Select); coding-DNA position 2133, one base deleted (T; older notation c.2133delT).
Protein change: p.Gly712fs; shifts the reading frame from glycine 712.
Molecular consequence: frameshift variant.
Genome position (GRCh38, 1-based): chr17:61,744,556, A deleted on the plus strand (T on the coding strand, the reverse complement: BRIP1 is on the minus strand). VCF-style (leftmost placement, unchanged base first): chr17-61744555-CA-C. GRCh37 (hg19) VCF-style: chr17-59821916-CA-C.
Other names: c.2133delT (NM_032043.2); short protein forms G712fs.
Identifiers: ClinVar variation 571110 (VCV000571110.12), dbSNP rs1567781543, ClinGen allele CA891844128.

ClinVar aggregate classification (germline): Pathogenic. Review status: criteria provided, multiple submitters, no conflicts (2 of 4 stars). 4 submissions from 4 submitters: Pathogenic (4). Last evaluated 2026-01-13.

Conditions:
Hereditary cancer-predisposing syndrome. Also called: Neoplastic Syndromes, Hereditary; Hereditary neoplastic syndrome; Tumor predisposition; Hereditary Cancer Syndrome. Identifiers: Orphanet 140162, MedGen C0027672, MeSH D009386, MONDO:0015356.
Familial cancer of breast. Also called: Hereditary breast cancer; BREAST CANCER, FAMILIAL; hereditary breast carcinoma. Identifiers: Orphanet 227535, MedGen C0346153, MONDO:0016419, OMIM 114480. Disease mechanism: loss of function.
Fanconi anemia complementation group J. Also called: BRIP1-Related Fanconi Anemia. Identifiers: Orphanet 84, MedGen C1836860, MONDO:0012187, OMIM 609054.

Submissions (4):

Ambry Genetics
Classification: Pathogenic for Hereditary cancer-predisposing syndrome. Last evaluated: 2026-01-13. Review status: criteria provided, single submitter. Criteria: Ambry Variant Classification Scheme 2023. Collection method: clinical testing. Allele origin: germline.
Comment: The c.2133delT pathogenic mutation, located in coding exon 14 of the BRIP1 gene, results from a deletion of one nucleotide at nucleotide position 2133, causing a translational frameshift with a predicted alternate stop codon (p.G712Vfs*9). This variant is considered to be rare based on population cohorts in the Genome Aggregation Database (gnomAD). This alteration is expected to result in loss of function by premature protein truncation or nonsense-mediated mRNA decay. As such, this alteration is interpreted as a disease-causing mutation.

Labcorp Genetics (formerly Invitae), Labcorp
Classification: Pathogenic for Familial cancer of breast; Fanconi anemia complementation group J. Last evaluated: 2026-01-01. Review status: criteria provided, single submitter. Criteria: Invitae Variant Classification Sherloc (09022015). Collection method: clinical testing. Allele origin: germline.
Comment: This sequence change creates a premature translational stop signal (p.Gly712Valfs*9) in the BRIP1 gene. It is expected to result in an absent or disrupted protein product. Loss-of-function variants in BRIP1 are known to be pathogenic (PMID: 16116423, 17033622, 21964575). This variant is not present in population databases (gnomAD no frequency). This variant has not been reported in the literature in individuals affected with BRIP1-related conditions. ClinVar contains an entry for this variant (Variation ID: 571110). For these reasons, this variant has been classified as Pathogenic.

Myriad Genetics, Inc.
Classification: Pathogenic for Familial cancer of breast. Last evaluated: 2023-06-06. Review status: criteria provided, single submitter. Criteria: Myriad Autosomal Dominant, Autosomal Recessive and X-Linked Classification Criteria (2023). Collection method: clinical testing. Allele origin: unknown.
Comment: This variant is considered pathogenic. This variant creates a frameshift predicted to result in premature protein truncation.

Baylor Genetics
Classification: Pathogenic for Familial cancer of breast. Last evaluated: 2021-01-12. Review status: criteria provided, single submitter. Criteria: ACMG Guidelines, 2015. Collection method: clinical testing. Allele origin: unknown.

Literature cited by the submitters: PubMed 16116423 (cited by Labcorp Genetics (formerly Invitae), Labcorp); PubMed 17033622 (cited by Labcorp Genetics (formerly Invitae), Labcorp); PubMed 21964575 (cited by Labcorp Genetics (formerly Invitae), Labcorp).